The following is an entry in ClinVar:

NM_001379200.1(TBX1):c.1346G>A (p.Gly449Asp)

Gene: TBX1 (T-box transcription factor 1; plus strand). Cytogenetic location: 22q11.21.
Variant type: single nucleotide variant.
Coding change: c.1346G>A on transcript NM_001379200.1 (MANE Select); coding-DNA position 1346, G replaced by A.
Protein change: p.Gly449Asp; replaces glycine 449 with aspartic acid.
Molecular consequence: missense variant. On other transcripts: intron variant (2).
Genome position (GRCh38, 1-based): chr22:19,766,698, G>A. VCF-style: chr22-19766698-G-A. GRCh37 (hg19) VCF-style: chr22-19754221-G-A.
Other names: c.1319G>A, p.Gly440Asp (NM_080647.1); c.1009+696G>A (NM_005992.1, NM_080646.2); short protein forms G449D, G440D.
Identifiers: ClinVar variation 1417829 (VCV001417829.10), dbSNP rs1177085596, ClinGen allele CA410685077.

ClinVar aggregate classification (germline): Uncertain significance. Review status: criteria provided, multiple submitters, no conflicts (2 of 4 stars). 2 submissions from 2 submitters: Uncertain significance (2). Last evaluated 2025-07-27.

Conditions:
DiGeorge syndrome. Also called: Catch22; THIRD AND FOURTH PHARYNGEAL POUCH SYNDROME. Identifiers: Orphanet 567, MedGen C0012236, MONDO:0008564, OMIM 188400.
Cardiovascular phenotype. Identifiers: MedGen CN230736.

Allele frequency attached by ClinVar (database versions not stated): gnomAD exomes 0.00001 and 0.00002; TOPMed 0.00002.
gnomAD v4.1: 5 of 1,546,664 alleles (0.00032%); highest among the groups gnomAD compares: Admixed American, 0.0055%; no homozygotes.

Submissions (2):

Labcorp Genetics (formerly Invitae), Labcorp
Classification: Uncertain significance for DiGeorge syndrome. Last evaluated: 2025-07-27. Review status: criteria provided, single submitter. Criteria: Invitae Variant Classification Sherloc (09022015). Collection method: clinical testing. Allele origin: germline.
Comment: This sequence change replaces glycine, which is neutral and non-polar, with aspartic acid, which is acidic and polar, at codon 440 of the TBX1 protein (p.Gly440Asp). The frequency data for this variant in the population databases is considered unreliable, as metrics indicate poor data quality at this position in the gnomAD database. This variant has not been reported in the literature in individuals affected with TBX1-related conditions. ClinVar contains an entry for this variant (Variation ID: 1417829). An algorithm developed to predict the effect of missense changes on protein structure and function (PolyPhen-2) suggests that this variant is likely to be disruptive. In summary, the available evidence is currently insufficient to determine the role of this variant in disease. Therefore, it has been classified as a Variant of Uncertain Significance.

Ambry Genetics
Classification: Uncertain significance for Cardiovascular phenotype. Last evaluated: 2022-04-11. Review status: criteria provided, single submitter. Criteria: Ambry Variant Classification Scheme 2023. Collection method: clinical testing. Allele origin: germline.
Comment: The p.G440D variant (also known as c.1319G>A), located in coding exon 8 of the TBX1 gene, results from a G to A substitution at nucleotide position 1319. The glycine at codon 440 is replaced by aspartic acid, an amino acid with similar properties. This amino acid position is conserved. In addition, this alteration is predicted to be tolerated by in silico analysis. Since supporting evidence is limited at this time, the clinical significance of this alteration remains unclear.